The following is an entry in ClinVar:

NM_004385.5(VCAN):c.3202G>A (p.Gly1068Ser)

Gene: VCAN (versican; plus strand). Cytogenetic location: 5q14.3.
Variant type: single nucleotide variant.
Coding change: c.3202G>A on transcript NM_004385.5 (MANE Select); coding-DNA position 3202, G replaced by A.
Protein change: p.Gly1068Ser; replaces glycine 1068 with serine.
Molecular consequence: missense variant. On other transcripts: intron variant (2).
Genome position (GRCh38, 1-based): chr5:83,521,508, G>A. VCF-style: chr5-83521508-G-A. GRCh37 (hg19) VCF-style: chr5-82817327-G-A.
Other names: c.3202G>A, p.Gly1068Ser (NM_001164098.2); c.1042+9112G>A (NM_001164097.2, NM_001126336.3); short protein forms G1068S.
Identifiers: ClinVar variation 906273 (VCV000906273.6), dbSNP rs1231605869, ClinGen allele CA360305552.

ClinVar aggregate classification (germline): Uncertain significance. Review status: criteria provided, multiple submitters, no conflicts (2 of 4 stars). 3 submissions from 2 submitters: Uncertain significance (3). Last evaluated 2025-01-20.

Conditions:
Wagner disease. Also called: WAGNER VITREORETINAL DEGENERATION; WAGNER VITREORETINOPATHY; Wagner Vitreoretinal Degeneration (Wagner Synrdome); WAGNER SYNDROME 1; HYALOIDEORETINAL DEGENERATION OF WAGNER; Wagner syndrome. Identifiers: Orphanet 898, MedGen C1840452, MONDO:0007740, OMIM 143200.
Vitreoretinopathy. Also called: Vitreoretinal degeneration. Identifiers: MedGen C0344290, MONDO:0020248, HP:0007773.

Allele frequency attached by ClinVar (database versions not stated): TOPMed below 0.00001; gnomAD 0.00001; gnomAD exomes 0.00001.
gnomAD v4.1: 15 of 1,613,886 alleles (0.00093%); highest among the groups gnomAD compares: Admixed American, 0.0017%; no homozygotes.

Submissions (3):

Labcorp Genetics (formerly Invitae), Labcorp
Classification: Uncertain significance. Last evaluated: 2025-01-20. Review status: criteria provided, single submitter. Criteria: Invitae Variant Classification Sherloc (09022015). Collection method: clinical testing. Allele origin: germline.
Comment: This sequence change replaces glycine, which is neutral and non-polar, with serine, which is neutral and polar, at codon 1068 of the VCAN protein (p.Gly1068Ser). This variant is present in population databases (no rsID available, gnomAD 0.1%). This variant has not been reported in the literature in individuals affected with VCAN-related conditions. ClinVar contains an entry for this variant (Variation ID: 906273). An algorithm developed to predict the effect of missense changes on protein structure and function outputs the following: PolyPhen-2: "Benign". The serine amino acid residue is found in multiple mammalian species, which suggests that this missense change does not adversely affect protein function. In summary, the available evidence is currently insufficient to determine the role of this variant in disease. Therefore, it has been classified as a Variant of Uncertain Significance.

Illumina Laboratory Services, Illumina
Classification: Uncertain significance for Vitreoretinopathy. Last evaluated: 2018-01-13. Review status: criteria provided, single submitter. Criteria: ICSL Variant Classification Criteria 13 December 2019. Collection method: clinical testing. Allele origin: germline.

Illumina Laboratory Services, Illumina
Classification: Uncertain significance for Wagner disease. Last evaluated: 2018-01-13. Review status: criteria provided, single submitter. Criteria: ICSL Variant Classification Criteria 13 December 2019. Collection method: clinical testing. Allele origin: germline.